The following is an entry in ClinVar:

ClinVar aggregate classification (germline): Pathogenic (1 of 4 stars; one submission).

Submission:

GeneDx
Classification: Pathogenic. Last evaluated: 2023-06-25. Review status: criteria provided, single submitter. Criteria: GeneDx Variant Classification Process June 2021. Collection method: clinical testing. Allele origin: germline. Affected: yes.
Comment: Nonsense variant predicted to result in protein truncation, as the last 81 amino acids are lost, and other loss-of-function variants have been reported downstream in HGMD; Not observed at significant frequency in large population cohorts (gnomAD); This variant is associated with the following publications: (PMID: 31710728)

NM_006516.4(SLC2A1):c.1235G>A (p.Trp412Ter)

Gene: SLC2A1 (solute carrier family 2 member 1; minus strand). Cytogenetic location: 1p34.2.
Variant type: single nucleotide variant.
Coding change: c.1235G>A on transcript NM_006516.4 (MANE Select); coding-DNA position 1235, G replaced by A.
Protein change: p.Trp412Ter; replaces tryptophan 412 with a stop codon.
Molecular consequence: nonsense.
Genome position (GRCh38, 1-based): chr1:42,927,648, C>T on the plus strand (G>A on the coding strand, the complement: SLC2A1 is on the minus strand). VCF-style: chr1-42927648-C-T. GRCh37 (hg19) VCF-style: chr1-43393319-C-T.
Other names: short protein forms W412*.
Identifiers: ClinVar variation 2506783 (VCV002506783.1), dbSNP rs2524984323, ClinGen allele CA339953699.
Genomic context (GRCh38, chr1:42,927,648, plus strand): 5'-ACAGTGGGGGTTCTCACCTCCACATACTGGAAGCACATGCCCACAATGAAATTTGAGGTC[C>T]AGTTGGAGAAGCCTGCAACGGCAATGGCAGCTGGACGTGGACCCTGGCTGAAGAGTTCAG-3'